The following is an entry in ClinVar:

ClinVar aggregate classification (germline): Benign/Likely benign. Review status: criteria provided, multiple submitters, no conflicts (2 of 4 stars). 2 submissions from 2 submitters: Benign (1); Likely benign (1). Last evaluated 2025-03-20.

Conditions:
Juvenile polyposis/hereditary hemorrhagic telangiectasia syndrome (JPHT). Also called: JP/HHT SYNDROME; JUVENILE POLYPOSIS WITH HEREDITARY HEMORRHAGIC TELANGIECTASIA; POLYPOSIS, GENERALIZED JUVENILE, WITH PULMONARY ARTERIOVENOUS MALFORMATION; TELANGIECTASIA, HEREDITARY HEMORRHAGIC, WITH JUVENILE POLYPOSIS COLI; Juvenile Polyposis Syndrome / Hereditary Hemorrhagic Telangiectasia (JPS/HHT). Identifiers: Orphanet 2929, MedGen C1832942, MONDO:0008278, OMIM 175050.
Familial thoracic aortic aneurysm and aortic dissection (TAAD). Also called: Thoracic aortic aneurysms and dissections. Identifiers: Orphanet 91387, MedGen C4707243, MONDO:0019625.
Hereditary cancer-predisposing syndrome. Also called: Neoplastic Syndromes, Hereditary; Tumor predisposition; Hereditary neoplastic syndrome; Hereditary Cancer Syndrome. Identifiers: Orphanet 140162, MedGen C0027672, MeSH D009386, MONDO:0015356.

gnomAD v4.1: 2 of 1,614,056 alleles (0.00012%); highest among the groups gnomAD compares: African/African-American, 0.0013%; no homozygotes.

Submissions (2):

Myriad Genetics, Inc.
Classification: Benign for Juvenile polyposis/hereditary hemorrhagic telangiectasia syndrome. Last evaluated: 2025-03-20. Review status: criteria provided, single submitter. Criteria: Myriad Autosomal Dominant, Autosomal Recessive and X-Linked Classification Criteria (2023). Collection method: clinical testing. Allele origin: unknown.
Comment: This variant is considered benign. This variant is a silent/synonymous amino acid change and it is not expected to impact splicing.

Ambry Genetics
Classification: Likely benign for Hereditary cancer-predisposing syndrome; Familial thoracic aortic aneurysm and aortic dissection. Last evaluated: 2024-08-12. Review status: criteria provided, single submitter. Criteria: Ambry Variant Classification Scheme 2023. Collection method: clinical testing. Allele origin: germline.

NM_005359.6(SMAD4):c.1002G>A (p.Gln334=)

Gene: SMAD4 (SMAD family member 4; plus strand). Cytogenetic location: 18q21.2.
Variant type: single nucleotide variant.
Coding change: c.1002G>A on transcript NM_005359.6 (MANE Select); coding-DNA position 1002, G replaced by A.
Protein change: p.Gln334=; no amino-acid change (glutamine 334 retained).
Molecular consequence: synonymous variant. On other transcripts: non-coding transcript variant (2).
Genome position (GRCh38, 1-based): chr18:51,065,469, G>A. VCF-style: chr18-51065469-G-A. GRCh37 (hg19) VCF-style: chr18-48591839-G-A.
Other names: c.1002G>A, p.Gln334= (NM_001407041.1, NM_001407042.1, NM_001407043.1).
Identifiers: ClinVar variation 3445849 (VCV003445849.2).